The following is an entry in ClinVar:

ClinVar aggregate classification (germline): Pathogenic. Review status: criteria provided, multiple submitters, no conflicts (2 of 4 stars). 3 submissions from 3 submitters: Pathogenic (3). Last evaluated 2023-08-04.

Conditions:
Ataxia - intellectual disability - oculomotor apraxia - cerebellar cysts syndrome. Also called: Poretti-Boltshauser syndrome. Identifiers: Orphanet 370022, MedGen C4014821, MONDO:0014419, OMIM 615960.
LAMA1-related disorder. Also called: LAMA1-related disorders; LAMA1-related condition.

Allele frequency attached by ClinVar (database versions not stated): gnomAD 0.00003 and 0.00004; TOPMed 0.00003.
gnomAD v4.1: 26 of 1,613,792 alleles (0.0016%); highest among the groups gnomAD compares: African/African-American, 0.0027%; no homozygotes.

Submissions (3):

Labcorp Genetics (formerly Invitae), Labcorp
Classification: Pathogenic. Last evaluated: 2023-08-04. Review status: criteria provided, single submitter. Criteria: Invitae Variant Classification Sherloc (09022015). Collection method: clinical testing. Allele origin: germline.
Comment: For these reasons, this variant has been classified as Pathogenic. ClinVar contains an entry for this variant (Variation ID: 1675304). This premature translational stop signal has been observed in individual(s) with Poretti-Boltshauser syndrome (PMID: 26932191). This variant is present in population databases (rs767943611, gnomAD 0.005%). This sequence change creates a premature translational stop signal (p.Arg1307*) in the LAMA1 gene. It is expected to result in an absent or disrupted protein product. Loss-of-function variants in LAMA1 are known to be pathogenic (PMID: 25105227, 26932191).

Blueprint Genetics
Classification: Pathogenic for LAMA1-related disorders. Last evaluated: 2022-05-06. Review status: criteria provided, single submitter. Criteria: ACMG Guidelines, 2015. Collection method: clinical testing. Allele origin: germline. Affected: yes. Observed: 5 variant alleles.

Provincial Medical Genetics Program of British Columbia, University of British Columbia
Classification: Pathogenic for Ataxia - intellectual disability - oculomotor apraxia - cerebellar cysts syndrome. Last evaluated: 2022-01-01. Review status: criteria provided, single submitter. Criteria: ACMG Guidelines, 2015. Collection method: clinical testing. Allele origin: paternal. Affected: yes.

Literature cited by the submitters: PubMed 26932191 (cited by Labcorp Genetics (formerly Invitae), Labcorp); PubMed 25105227 (cited by Labcorp Genetics (formerly Invitae), Labcorp).

NM_005559.4(LAMA1):c.3919C>T (p.Arg1307Ter)

Gene: LAMA1 (laminin subunit alpha 1; minus strand). Cytogenetic location: 18p11.31.
Variant type: single nucleotide variant.
Coding change: c.3919C>T on transcript NM_005559.4 (MANE Select); coding-DNA position 3919, C replaced by T.
Protein change: p.Arg1307Ter; replaces arginine 1307 with a stop codon.
Molecular consequence: nonsense.
Genome position (GRCh38, 1-based): chr18:7,009,321, G>A on the plus strand (C>T on the coding strand, the complement: LAMA1 is on the minus strand). VCF-style: chr18-7009321-G-A. GRCh37 (hg19) VCF-style: chr18-7009320-G-A.
Other names: short protein forms R1307*.
Identifiers: ClinVar variation 1675304 (VCV001675304.8), dbSNP rs767943611, ClinGen allele CA8882098.